The following is an entry in ClinVar:

ClinVar aggregate classification (germline): Uncertain significance (1 of 4 stars; one submission).

Conditions:
Hereditary cancer-predisposing syndrome. Also called: Hereditary neoplastic syndrome; Neoplastic Syndromes, Hereditary; Tumor predisposition; Hereditary Cancer Syndrome. Identifiers: Orphanet 140162, MedGen C0027672, MeSH D009386, MONDO:0015356.

Submission:

Ambry Genetics
Classification: Uncertain significance for Hereditary cancer-predisposing syndrome. Last evaluated: 2025-08-27. Review status: criteria provided, single submitter. Criteria: Ambry Variant Classification Scheme 2023. Collection method: clinical testing. Allele origin: germline.
Comment: The p.A548T variant (also known as c.1642G>A), located in coding exon 16 of the MUTYH gene, results from a G to A substitution at nucleotide position 1642. The alanine at codon 548 is replaced by threonine, an amino acid with similar properties. This amino acid position is conserved. In addition, this alteration is predicted to be tolerated by in silico analysis. Based on the available evidence, the clinical significance of this variant remains unclear.

NM_001048174.2(MUTYH):c.1558G>A (p.Ala520Thr)

Gene: MUTYH (mutY DNA glycosylase; minus strand). Cytogenetic location: 1p34.1.
Variant type: single nucleotide variant.
Coding change: c.1558G>A on transcript NM_001048174.2 (MANE Select); coding-DNA position 1558, G replaced by A.
Protein change: p.Ala520Thr; replaces alanine 520 with threonine.
Molecular consequence: missense variant. On other transcripts: non-coding transcript variant (7).
Genome position (GRCh38, 1-based): chr1:45,329,314, C>T on the plus strand (G>A on the coding strand, the complement: MUTYH is on the minus strand). VCF-style: chr1-45329314-C-T. GRCh37 (hg19) VCF-style: chr1-45794986-C-T.
Other names: c.1558G>A, p.Ala520Thr (NM_001048171.2, NM_001048173.2, NM_001293195.2 and 6 more transcripts); c.1561G>A, p.Ala521Thr (NM_001048172.2, NM_001407071.1, NM_001407086.1 and 1 more transcripts); c.1642G>A, p.Ala548Thr (NM_001128425.2); c.1603G>A, p.Ala535Thr (NM_001293190.2); c.1591G>A, p.Ala531Thr (NM_001293191.2, NM_001407069.1, NM_001407077.1); c.1282G>A, p.Ala428Thr (NM_001293192.2, NM_001293196.2, NM_001407091.1); c.1213G>A, p.Ala405Thr (NM_001350650.2, NM_001350651.2, NM_001407082.1); c.1579G>A, p.Ala527Thr (NM_001407087.1); and 5 more; short protein forms A506T, A405T, A428T, A521T, A527T, A531T, A545T, A548T.
Identifiers: ClinVar variation 4113486 (VCV004113486.1).